The following is an entry in ClinVar:

ClinVar aggregate classification (germline): Pathogenic. Review status: criteria provided, multiple submitters, no conflicts (2 of 4 stars). 2 submissions from 2 submitters: Pathogenic (2). Last evaluated 2026-07-02.

Conditions:
Hereditary breast ovarian cancer syndrome. Also called: Hereditary breast and ovarian cancer syndrome (HBOC); Hereditary breast and ovarian cancer; Hereditary breast and ovarian cancer syndrome; BRCA1- and BRCA2-Associated Hereditary Breast and Ovarian Cancer; Breast and ovarian cancer; Hereditary breast and/or ovarian cancer syndrome. Identifiers: Orphanet 145, MedGen C0677776, MeSH D061325, MONDO:0003582. Disease mechanism: loss of function.
Breast-ovarian cancer, familial, susceptibility to, 2 (BROVCA2). Also called: BRCA2 Hereditary Breast and Ovarian Cancer. Identifiers: Orphanet 145, MedGen C2675520, MONDO:0012933, OMIM 612555. Disease mechanism: loss of function.

Submissions (2):

Myriad Genetics, Inc.
Classification: Pathogenic for Breast-ovarian cancer, familial, susceptibility to, 2. Last evaluated: 2026-07-02. Review status: criteria provided, single submitter. Criteria: Myriad Autosomal Dominant, Autosomal Recessive and X-Linked Classification Criteria (2023). Collection method: clinical testing. Allele origin: unknown.
Comment: This variant is considered pathogenic. This variant creates a frameshift predicted to result in premature protein truncation.

Labcorp Genetics (formerly Invitae), Labcorp
Classification: Pathogenic for Hereditary breast ovarian cancer syndrome. Last evaluated: 2023-11-11. Review status: criteria provided, single submitter. Criteria: Invitae Variant Classification Sherloc (09022015). Collection method: clinical testing. Allele origin: germline.
Comment: This sequence change creates a premature translational stop signal (p.Ser1084Ilefs*3) in the BRCA2 gene. It is expected to result in an absent or disrupted protein product. Loss-of-function variants in BRCA2 are known to be pathogenic (PMID: 20104584). This variant is not present in population databases (gnomAD no frequency). This variant has not been reported in the literature in individuals affected with BRCA2-related conditions. For these reasons, this variant has been classified as Pathogenic.

Literature cited by the submitters: PubMed 20104584 (cited by Labcorp Genetics (formerly Invitae), Labcorp).

NM_000059.4(BRCA2):c.3251del (p.Ser1084fs)

Gene: BRCA2 (BRCA2 DNA repair associated; plus strand). Cytogenetic location: 13q13.1.
Variant type: Deletion.
Coding change: c.3251del on transcript NM_000059.4 (MANE Select); coding-DNA position 3251, one base deleted (G; older notation c.3251delG).
Protein change: p.Ser1084fs; shifts the reading frame from serine 1084.
Molecular consequence: frameshift variant. On other transcripts: non-coding transcript variant (1), intron variant (2).
Genome position (GRCh38, 1-based): chr13:32,337,606, G deleted. VCF-style (leftmost placement, unchanged base first): chr13-32337605-AG-A. GRCh37 (hg19) VCF-style: chr13-32911742-AG-A.
Other names: c.3251del, p.Ser1084fs (NM_001406719.1, NM_001406720.1); c.1909+4219del (NM_001406721.1); c.424+6576del (NM_001406722.1); short protein forms S1084fs.
Identifiers: ClinVar variation 2695028 (VCV002695028.4), dbSNP rs2548525533, ClinGen allele CA2697551758.